The following is an entry in ClinVar:

ClinVar aggregate classification (germline): Likely pathogenic (1 of 4 stars; one submission).

Conditions:
TCF12-related disorder. Also called: TCF12-related condition.

Allele frequency attached by ClinVar (database versions not stated): gnomAD exomes below 0.00001.
gnomAD v4.1: 1 of 1,601,452 alleles (0.000062%); highest among the groups gnomAD compares: Non-Finnish European, 0.000085%; no homozygotes.

Submission:

PreventionGenetics, part of Exact Sciences
Classification: Likely pathogenic for TCF12-related condition. Last evaluated: 2023-02-28. Review status: criteria provided, single submitter. Criteria: ACMG Guidelines, 2015. Collection method: clinical testing. Allele origin: germline.
Comment: The TCF12 c.1745+2T>C variant is predicted to disrupt the GT donor site and interfere with normal splicing. To our knowledge, this variant has not been reported in the literature or in a large population database, indicating this variant is rare. Variants that disrupt consensus splice donor sites in TCF12 are expected to be pathogenic, and other splice and loss-of-function variants in TCF12 up- and downstream of this location have been reported in affected individuals (Human Gene Mutation Database, HGMD). Therefore, this variant is interpreted as likely pathogenic.

NM_207037.2(TCF12):c.1745+2T>C

Gene: TCF12 (transcription factor 12; plus strand). Cytogenetic location: 15q21.3.
Variant type: single nucleotide variant.
Coding change: c.1745+2T>C on transcript NM_207037.2 (MANE Select); the canonical splice donor site of the intron after coding-DNA position 1745, T replaced by C.
Molecular consequence: splice donor variant.
Genome position (GRCh38, 1-based): chr15:57,263,276, T>C. VCF-style: chr15-57263276-T-C. GRCh37 (hg19) VCF-style: chr15-57555474-T-C.
Other names: c.1745+2T>C (NM_001322151.2, NM_001322159.3, NM_001322152.2 and 2 more transcripts); c.1673+2T>C (NM_001322157.3, NM_003205.4, NM_207038.2 and 1 more transcripts); c.1571+2T>C (NM_001322156.2); c.1499+2T>C (NM_001322158.2); c.1088+2T>C (NM_001322154.2); c.1742+2T>C (NM_001322161.2); c.1709+2T>C (NM_001322164.2); c.1235+2T>C (NM_001306219.3); and 2 more.
Identifiers: ClinVar variation 2630448 (VCV002630448.1), dbSNP rs2551492921, ClinGen allele CA392590406.